The following is an entry in ClinVar:

ClinVar aggregate classification (germline): Likely benign. Review status: criteria provided, multiple submitters, no conflicts (2 of 4 stars). 3 submissions from 3 submitters: Likely benign (2). 1 of the submissions does not count toward it. Last evaluated 2025-08-23.

Conditions:
SYNE1-related disorder. Also called: SYNE1-related disorders; SYNE1-related disease; SYNE1-related condition.
Emery-Dreifuss muscular dystrophy 4, autosomal dominant (EDMD4). Also called: EMERY-DREIFUSS MUSCULAR DYSTROPHY 4 WITH VARIABLE FEATURES. Identifiers: Orphanet 261, MedGen C2751807, MONDO:0013071, OMIM 612998.
Autosomal recessive ataxia, Beauce type. Also called: ATAXIA, RECESSIVE, OF BEAUCE; SYNE1-Related Autosomal Recessive Cerebellar Ataxia; Spinocerebellar ataxia, autosomal recessive 8; SYNE1 Deficiency. Identifiers: Orphanet 88644, MedGen C1853116, MONDO:0012549, OMIM 610743.

Allele frequency attached by ClinVar (database versions not stated): gnomAD exomes 0.00002 and 0.00003; ExAC 0.00006; ESP Exome Variant Server 0.00008; TOPMed 0.00011.
gnomAD v4.1: 56 of 1,613,628 alleles (0.0035%); highest among the groups gnomAD compares: African/African-American, 0.035%; no homozygotes.

Submissions (3):

Labcorp Genetics (formerly Invitae), Labcorp
Classification: Likely benign for Emery-Dreifuss muscular dystrophy 4, autosomal dominant; Autosomal recessive ataxia, Beauce type. Last evaluated: 2025-08-23. Review status: criteria provided, single submitter. Criteria: Invitae Variant Classification Sherloc (09022015). Collection method: clinical testing. Allele origin: germline.

GeneDx
Classification: Likely benign. Last evaluated: 2016-11-23. Review status: criteria provided, single submitter. Criteria: GeneDx Variant Classification (06012015). Collection method: clinical testing. Allele origin: germline. Affected: yes.
Comment: This variant is considered likely benign or benign based on one or more of the following criteria: it is a conservative change, it occurs at a poorly conserved position in the protein, it is predicted to be benign by multiple in silico algorithms, and/or has population frequency not consistent with disease.

PreventionGenetics, part of Exact Sciences
Classification: Likely benign for SYNE1-related condition. Last evaluated: 2021-08-09. Review status: no assertion criteria provided. Collection method: clinical testing. Allele origin: germline. Not counted in ClinVar's aggregate classification.
Comment: This variant is classified as likely benign based on ACMG/AMP sequence variant interpretation guidelines (Richards et al. 2015 PMID: 25741868, with internal and published modifications).

NM_182961.4(SYNE1):c.16212G>A (p.Ala5404=)

Gene: SYNE1 (spectrin repeat containing nuclear envelope protein 1; minus strand). Cytogenetic location: 6q25.2.
Variant type: single nucleotide variant.
Coding change: c.16212G>A on transcript NM_182961.4 (MANE Select); coding-DNA position 16212, G replaced by A.
Protein change: p.Ala5404=; no amino-acid change (alanine 5404 retained).
Molecular consequence: synonymous variant.
Genome position (GRCh38, 1-based): chr6:152,321,262, C>T on the plus strand (G>A on the coding strand, the complement: SYNE1 is on the minus strand). VCF-style: chr6-152321262-C-T. GRCh37 (hg19) VCF-style: chr6-152642397-C-T.
Other names: c.15999G>A, p.Ala5333= (NM_033071.5).
Identifiers: ClinVar variation 390985 (VCV000390985.13), dbSNP rs150928921, ClinGen allele CA4055588.